The following is an entry in ClinVar:

ClinVar aggregate classification (germline): Uncertain significance (1 of 4 stars; one submission).

Conditions:
Hereditary cancer-predisposing syndrome. Also called: Neoplastic Syndromes, Hereditary; Hereditary Cancer Syndrome; Tumor predisposition; Hereditary neoplastic syndrome. Identifiers: Orphanet 140162, MedGen C0027672, MeSH D009386, MONDO:0015356.

Submission:

Ambry Genetics
Classification: Uncertain significance for Hereditary cancer-predisposing syndrome. Last evaluated: 2025-03-05. Review status: criteria provided, single submitter. Criteria: Ambry Variant Classification Scheme 2023. Collection method: clinical testing. Allele origin: germline.
Comment: The p.S1259G variant (also known as c.3775A>G) is located in coding exon 26 of the SMARCA4 gene. The serine at codon 1259 is replaced by glycine, an amino acid with similar properties. This change occurs in the first base pair of coding exon 26. This amino acid position is conserved. In addition, the in silico prediction for this alteration is inconclusive. Based on the available evidence, the clinical significance of this variant remains unclear.

NM_003072.5(SMARCA4):c.3775A>G (p.Ser1259Gly)

Gene: SMARCA4 (SWI/SNF related BAF chromatin remodeling complex subunit ATPase 4; plus strand). Cytogenetic location: 19p13.2.
Variant type: single nucleotide variant.
Coding change: c.3775A>G on transcript NM_003072.5 (MANE Select); coding-DNA position 3775, A replaced by G.
Protein change: p.Ser1259Gly; replaces serine 1259 with glycine.
Molecular consequence: missense variant. On other transcripts: intron variant (6).
Genome position (GRCh38, 1-based): chr19:11,033,767, A>G. VCF-style: chr19-11033767-A-G. GRCh37 (hg19) VCF-style: chr19-11144443-A-G.
Other names: c.3775A>G, p.Ser1259Gly (NM_001128844.3, NM_001128849.3, NM_001387283.1); c.3774+250A>G (NM_001128847.4, NM_001411150.1, NM_001374457.1 and 3 more transcripts); short protein forms S1259G.
Identifiers: ClinVar variation 3798928 (VCV003798928.1).